The following is an entry in ClinVar:

NM_199420.4(POLQ):c.4931G>T (p.Arg1644Met)

Gene: POLQ (DNA polymerase theta; minus strand). Cytogenetic location: 3q13.33.
Variant type: single nucleotide variant.
Coding change: c.4931G>T on transcript NM_199420.4 (MANE Select); coding-DNA position 4931, G replaced by T.
Protein change: p.Arg1644Met; replaces arginine 1644 with methionine.
Molecular consequence: missense variant.
Genome position (GRCh38, 1-based): chr3:121,488,000, C>A on the plus strand (G>T on the coding strand, the complement: POLQ is on the minus strand). VCF-style: chr3-121488000-C-A. GRCh37 (hg19) VCF-style: chr3-121206847-C-A.
Other names: short protein forms R1644M.
Identifiers: ClinVar variation 3422346 (VCV003422346.1).

ClinVar aggregate classification (germline): Uncertain significance (1 of 4 stars; one submission).

gnomAD v4.1: 2 of 1,612,904 alleles (0.00012%); highest among the groups gnomAD compares: Non-Finnish European, 0.00017%; no homozygotes.

Submission:

Ambry Genetics
Classification: Uncertain significance. Last evaluated: 2024-08-22. Review status: criteria provided, single submitter. Criteria: Ambry Variant Classification Scheme 2023. Collection method: clinical testing. Allele origin: germline.
Comment: The p.R1644M variant (also known as c.4931G>T), located in coding exon 16 of the POLQ gene, results from a G to T substitution at nucleotide position 4931. The arginine at codon 1644 is replaced by methionine, an amino acid with similar properties. This amino acid position is conserved. In addition, this alteration is predicted to be tolerated by in silico analysis. Based on the available evidence, the clinical significance of this variant remains unclear.